The following is an entry in ClinVar:

ClinVar aggregate classification (germline): Uncertain significance. Review status: criteria provided, multiple submitters, no conflicts (2 of 4 stars). 5 submissions from 5 submitters: Uncertain significance (5). Last evaluated 2026-01-18.

Conditions:
Cutis laxa with severe pulmonary, gastrointestinal and urinary anomalies. Also called: URBAN-RIFKIN-DAVIS SYNDROME; LTBP4-Related Cutis Laxa; Cutis laxa, autosomal recessive, type IC. Identifiers: Orphanet 221145, MedGen C2750804, MONDO:0013170, OMIM 613177. Disease mechanism: loss of function.
LTBP4-related disorder. Also called: LTBP4-related condition.

Allele frequency attached by ClinVar (database versions not stated): gnomAD 0.00005 and 0.00006; TOPMed 0.00006; ESP Exome Variant Server 0.00008.
gnomAD v4.1: 237 of 1,608,798 alleles (0.015%); highest among the groups gnomAD compares: Non-Finnish European, 0.019%; no homozygotes.

Submissions (5):

Labcorp Genetics (formerly Invitae), Labcorp
Classification: Uncertain significance. Last evaluated: 2026-01-18. Review status: criteria provided, single submitter. Criteria: Invitae Variant Classification Sherloc (09022015). Collection method: clinical testing. Allele origin: germline.
Comment: This sequence change replaces serine, which is neutral and polar, with threonine, which is neutral and polar, at codon 1179 of the LTBP4 protein (p.Ser1179Thr). This variant is present in population databases (rs375879929, gnomAD 0.02%). This variant has not been reported in the literature in individuals affected with LTBP4-related conditions. ClinVar contains an entry for this variant (Variation ID: 1028629). Experimental studies and prediction algorithms are not available or were not evaluated, and the functional significance of this variant is currently unknown. In summary, the available evidence is currently insufficient to determine the role of this variant in disease. Therefore, it has been classified as a Variant of Uncertain Significance.

PreventionGenetics, part of Exact Sciences
Classification: Uncertain significance for LTBP4-related condition. Last evaluated: 2025-10-23. Review status: criteria provided, single submitter. Criteria: ACMG Guidelines, 2015. Collection method: clinical testing. Allele origin: germline.
Comment: The LTBP4 c.3536G>C variant is predicted to result in the amino acid substitution p.Ala1179Pro. To our knowledge, this variant has not been reported in the literature. This variant is reported in 0.015% of alleles in individuals of European (Non-Finnish) descent in gnomAD. At this time, the clinical significance of this variant is uncertain due to the absence of conclusive functional and genetic evidence.

Greenwood Genetic Center Diagnostic Laboratories, Greenwood Genetic Center
Classification: Uncertain significance. Last evaluated: 2025-10-08. Review status: criteria provided, single submitter. Criteria: ACMG Guidelines, 2015. Collection method: clinical testing. Allele origin: germline. Affected: yes.

GeneDx
Classification: Uncertain significance. Last evaluated: 2024-07-16. Review status: criteria provided, single submitter. Criteria: GeneDx Variant Classification Process June 2021. Collection method: clinical testing. Allele origin: germline. Affected: yes.
Comment: In silico analysis indicates that this missense variant does not alter protein structure/function; Has not been previously published as pathogenic or benign to our knowledge

Baylor Genetics
Classification: Uncertain significance for Cutis laxa with severe pulmonary, gastrointestinal and urinary anomalies. Last evaluated: 2019-03-22. Review status: criteria provided, single submitter. Criteria: ACMG Guidelines, 2015. Collection method: clinical testing. Allele origin: maternal. Affected: yes.
Comment: This variant was determined to be of uncertain significance according to ACMG Guidelines, 2015 [PMID:25741868].

NM_001042545.2(LTBP4):c.3446G>C (p.Ser1149Thr)

Gene: LTBP4 (latent transforming growth factor beta binding protein 4; plus strand). Cytogenetic location: 19q13.2.
Variant type: single nucleotide variant.
Coding change: c.3446G>C on transcript NM_001042545.2 (MANE Select); coding-DNA position 3446, G replaced by C.
Protein change: p.Ser1149Thr; replaces serine 1149 with threonine.
Molecular consequence: missense variant.
Genome position (GRCh38, 1-based): chr19:40,622,629, G>C. VCF-style: chr19-40622629-G-C. GRCh37 (hg19) VCF-style: chr19-41128534-G-C.
Other names: c.3647G>C, p.Ser1216Thr (NM_001042544.1); c.3536G>C, p.Ser1179Thr (NM_003573.2); short protein forms S1149T, S1216T, S1179T.
Identifiers: ClinVar variation 1028629 (VCV001028629.11), dbSNP rs375879929, ClinGen allele CA9449001.